The following is an entry in ClinVar:

NM_001875.5(CPS1):c.1837-2A>G

Gene: CPS1 (carbamoyl-phosphate synthase 1; plus strand). Cytogenetic location: 2q34.
Variant type: single nucleotide variant.
Coding change: c.1837-2A>G on transcript NM_001875.5 (MANE Select); the canonical splice acceptor site of the intron before coding-DNA position 1837, A replaced by G.
Molecular consequence: splice acceptor variant.
Genome position (GRCh38, 1-based): chr2:210,605,100, A>G. VCF-style: chr2-210605100-A-G. GRCh37 (hg19) VCF-style: chr2-211469824-A-G.
Other names: c.1837-2A>G (NM_001369257.1, NM_001122633.3); c.1870-2A>G (NM_001369256.1).
Identifiers: ClinVar variation 4814948 (VCV004814948.1).

ClinVar aggregate classification (germline): Likely pathogenic (1 of 4 stars; one submission).

Conditions:
Congenital hyperammonemia, type I. Also called: Carbamoyl phosphate synthetase I deficiency disease; CPS I DEFICIENCY; Carbamoyl phosphate synthetase 1 deficiency; Hyperammonemia due to carbamoyl phosphate synthetase 1 deficiency; CPS 1 deficiency; Carbamyl phosphate synthetase (CPS) deficiency. Identifiers: Orphanet 147, MedGen C4082171, MONDO:0009376, OMIM 237300.

Submission:

Natera, Inc.
Classification: Likely pathogenic for Carbamoyl-phosphate synthase I deficiency. Last evaluated: 2025-07-16. Review status: criteria provided, single submitter. Criteria: Natera Variant Classification Schema (03/2026). Collection method: clinical testing. Allele origin: germline.
Comment: The c.1837-2A>G variant in CPS1 is a canonical splice acceptor site variant predicted to affect pre-mRNA splicing, which may result in an abnormal transcript and altered protein product. This variant is expected to result in nonsense mediated decay, truncation, or a dysfunctional protein product. This variant is rare in the general population with a frequency below the threshold expected for the associated phenotype(s). Given the available evidence, this variant is classified as Likely Pathogenic.